The following is an entry in ClinVar:

ClinVar aggregate classification (germline): Uncertain significance. Review status: criteria provided, multiple submitters, no conflicts (2 of 4 stars). 2 submissions from 2 submitters: Uncertain significance (2). Last evaluated 2025-05-17.

Conditions:
Hereditary cancer-predisposing syndrome. Also called: Tumor predisposition; Hereditary Cancer Syndrome; Hereditary neoplastic syndrome; Neoplastic Syndromes, Hereditary. Identifiers: Orphanet 140162, MedGen C0027672, MeSH D009386, MONDO:0015356.

Submissions (2):

Quest Diagnostics Nichols Institute San Juan Capistrano
Classification: Uncertain significance. Last evaluated: 2025-05-17. Review status: criteria provided, single submitter. Criteria: Quest Diagnostics criteria. Collection method: clinical testing. Allele origin: unknown.
Comment: The PTCH1 c.3070C>T (p.Leu1024Phe) variant has not been reported in individuals with PTCH1-related conditions in the published literature. It also has not been reported in large, multi-ethnic general populations (Genome Aggregation Database). Analysis of this variant using bioinformatics tools for the prediction of the effect of amino acid changes on protein structure and function yielded predictions that this variant is damaging. Based on the available information, we are unable to determine the clinical significance of this variant.

Ambry Genetics
Classification: Uncertain significance for Hereditary cancer-predisposing syndrome. Last evaluated: 2023-08-01. Review status: criteria provided, single submitter. Criteria: Ambry Variant Classification Scheme 2023. Collection method: clinical testing. Allele origin: germline.
Comment: The p.L1024F variant (also known as c.3070C>T), located in coding exon 18 of the PTCH1 gene, results from a C to T substitution at nucleotide position 3070. The leucine at codon 1024 is replaced by phenylalanine, an amino acid with highly similar properties. This amino acid position is conserved. In addition, this alteration is predicted to be deleterious by in silico analysis. Since supporting evidence is limited at this time, the clinical significance of this alteration remains unclear.

NM_000264.5(PTCH1):c.3070C>T (p.Leu1024Phe)

Gene: PTCH1 (patched 1; minus strand). Cytogenetic location: 9q22.32.
Variant type: single nucleotide variant.
Coding change: c.3070C>T on transcript NM_000264.5 (MANE Select); coding-DNA position 3070, C replaced by T.
Protein change: p.Leu1024Phe; replaces leucine 1024 with phenylalanine.
Molecular consequence: missense variant. On other transcripts: non-coding transcript variant (1).
Genome position (GRCh38, 1-based): chr9:95,458,111, G>A on the plus strand (C>T on the coding strand, the complement: PTCH1 is on the minus strand). VCF-style: chr9-95458111-G-A. GRCh37 (hg19) VCF-style: chr9-98220393-G-A.
Other names: c.2872C>T, p.Leu958Phe (NM_001083602.3); c.3067C>T, p.Leu1023Phe (NM_001083603.3); c.2617C>T, p.Leu873Phe (NM_001083604.3, NM_001083605.3, NM_001083606.3 and 1 more transcripts); c.2914C>T, p.Leu972Phe (NM_001354918.2); c.3070C>T (NM_000264.4); short protein forms L958F, L1024F, L873F, L972F, L1023F.
Identifiers: ClinVar variation 2626236 (VCV002626236.3), dbSNP rs759405378, ClinGen allele CA374112452.